The following is an entry in ClinVar:

NM_001563.4(IMPG1):c.1010A>G (p.His337Arg)

Gene: IMPG1 (interphotoreceptor matrix proteoglycan 1; minus strand). Cytogenetic location: 6q14.1.
Variant type: single nucleotide variant.
Coding change: c.1010A>G on transcript NM_001563.4 (MANE Select); coding-DNA position 1010, A replaced by G.
Protein change: p.His337Arg; replaces histidine 337 with arginine.
Molecular consequence: missense variant.
Genome position (GRCh38, 1-based): chr6:76,005,412, T>C on the plus strand (A>G on the coding strand, the complement: IMPG1 is on the minus strand). VCF-style: chr6-76005412-T-C. GRCh37 (hg19) VCF-style: chr6-76715129-T-C.
Other names: c.776A>G, p.His259Arg (NM_001282368.2); c.1010A>G (NM_001563.2); short protein forms H259R, H337R.
Identifiers: ClinVar variation 966366 (VCV000966366.12), dbSNP rs371964145, ClinGen allele CA3898246.
Genomic context (GRCh38, chr6:76,005,412, plus strand): 5'-CTTTTGAGGTCTGTAGCTGTGAGATAGATTTCTGGTTGCTTGTCCTCCTCCATGGTTCCA[T>C]GATAGACTTCCTCACTTTCAATTTTGTTGGAATCAAAAGACAGGAGGTCACTTGCAGGGC-3'
Protein context (NP_001554.2, residues 327-347): SNKIESEEVY[His337Arg]GTMEEDKQPE

ClinVar aggregate classification (germline): Uncertain significance. Review status: criteria provided, multiple submitters, no conflicts (2 of 4 stars). 4 submissions from 4 submitters: Uncertain significance (4). Last evaluated 2024-01-03.

Conditions:
Retinal dystrophy. Also called: Inherited retinal dystrophy. Identifiers: Orphanet 71862, MedGen C0854723, MeSH D058499, MONDO:0019118, HP:0000556.

Allele frequency attached by ClinVar (database versions not stated): TOPMed 0.00002; ExAC 0.00003; gnomAD 0.00003 and 0.00004; gnomAD exomes 0.00003; ESP Exome Variant Server 0.00008.
gnomAD v4.1: 21 of 1,613,998 alleles (0.0013%); highest among the groups gnomAD compares: East Asian, 0.031%; no homozygotes.

Submissions (4):

Ambry Genetics
Classification: Uncertain significance. Last evaluated: 2024-01-03. Review status: criteria provided, single submitter. Criteria: Ambry Variant Classification Scheme 2023. Collection method: clinical testing. Allele origin: germline.

Blueprint Genetics
Classification: Uncertain significance. Last evaluated: 2023-10-18. Review status: criteria provided, single submitter. Criteria: ACMG Guidelines, 2015. Collection method: clinical testing. Allele origin: germline.

Dept Of Ophthalmology, Nagoya University
Classification: Uncertain significance for Retinal dystrophy. Last evaluated: 2023-10-01. Review status: criteria provided, single submitter. Criteria: Submitter's publication. Collection method: research. Allele origin: germline. Affected: yes.

Labcorp Genetics (formerly Invitae), Labcorp
Classification: Uncertain significance. Last evaluated: 2023-09-10. Review status: criteria provided, single submitter. Criteria: Invitae Variant Classification Sherloc (09022015). Collection method: clinical testing. Allele origin: germline.
Comment: In summary, the available evidence is currently insufficient to determine the role of this variant in disease. Therefore, it has been classified as a Variant of Uncertain Significance. Algorithms developed to predict the effect of missense changes on protein structure and function output the following: SIFT: "Not Available"; PolyPhen-2: "Benign"; Align-GVGD: "Not Available". The arginine amino acid residue is found in multiple mammalian species, which suggests that this missense change does not adversely affect protein function. ClinVar contains an entry for this variant (Variation ID: 966366). This variant has not been reported in the literature in individuals affected with IMPG1-related conditions. This variant is present in population databases (rs371964145, gnomAD 0.03%). This sequence change replaces histidine, which is basic and polar, with arginine, which is basic and polar, at codon 337 of the IMPG1 protein (p.His337Arg).